The following is an entry in ClinVar:

NM_000053.4(ATP7B):c.650T>G (p.Leu217Ter)

Gene: ATP7B (ATPase copper transporting beta; minus strand). Cytogenetic location: 13q14.3.
Variant type: single nucleotide variant.
Coding change: c.650T>G on transcript NM_000053.4 (MANE Select); coding-DNA position 650, T replaced by G.
Protein change: p.Leu217Ter; replaces leucine 217 with a stop codon.
Molecular consequence: nonsense.
Genome position (GRCh38, 1-based): chr13:51,974,570, A>C on the plus strand (T>G on the coding strand, the complement: ATP7B is on the minus strand). VCF-style: chr13-51974570-A-C. GRCh37 (hg19) VCF-style: chr13-52548706-A-C.
Other names: c.650T>G, p.Leu217Ter (NM_001005918.3, NM_001243182.2, NM_001330578.2 and 1 more transcripts); short protein forms L217*.
Identifiers: ClinVar variation 550251 (VCV000550251.3), dbSNP rs1555296472, ClinGen allele CA388042101.

ClinVar aggregate classification (germline): Pathogenic. Review status: criteria provided, single submitter (1 of 4 stars). 2 submissions from 2 submitters: Pathogenic (1). 1 of the submissions does not count toward it.

Conditions:
Wilson disease (WND). Also called: Wilson's disease. Identifiers: Orphanet 905, MedGen C0019202, MONDO:0010200, OMIM 277900. Disease mechanism: loss of function.

Allele frequency attached by ClinVar (database versions not stated): gnomAD exomes below 0.00001.
gnomAD v4.1: 1 of 1,614,162 alleles (0.000062%); highest among the groups gnomAD compares: Non-Finnish European, 0.000085%; no homozygotes.

Submissions (2):

Juno Genomics, Hangzhou Juno Genomics, Inc
Classification: Pathogenic for Wilson disease. Review status: criteria provided, single submitter. Criteria: ACMG Guidelines, 2015. Collection method: clinical testing. Allele origin: germline. Affected: yes.
Comment: Absent from controls (or at extremely low frequency if recessive) in Genome Aggregation Database.;Null variant in a gene where loss of function (LOF) is a known mechanism of disease.;Patient's phenotype or family history is highly specific for a disease with a single genetic etiology.

Counsyl
Classification: Likely pathogenic for Wilson disease. Last evaluated: 2016-12-23. Review status: no assertion criteria provided. Collection method: clinical testing. Allele origin: unknown. Not counted in ClinVar's aggregate classification.

Literature cited by the submitters: PubMed 25525159 (cited by Counsyl); PubMed 18373411 (cited by Counsyl).